The following is an entry in ClinVar:

ClinVar aggregate classification (germline): Conflicting classifications of pathogenicity. Review status: criteria provided, conflicting classifications (1 of 4 stars). 3 submissions from 3 submitters: Uncertain significance (2); Likely benign (1). Last evaluated 2025-10-27.

Conditions:
Inborn genetic diseases. Identifiers: MedGen C0950123, MeSH D030342.

Allele frequency attached by ClinVar (database versions not stated): ESP Exome Variant Server 0.00008; gnomAD 0.00014 and 0.00015; gnomAD exomes 0.00014 and 0.00019; TOPMed 0.00015; ExAC 0.00017; 1000 Genomes Project 30x 0.00031; 1000 Genomes Project 0.00040.
gnomAD v4.1: 304 of 1,608,830 alleles (0.019%); highest among the groups gnomAD compares: Admixed American, 0.027%; 1 homozygote.

Submissions (3):

Labcorp Genetics (formerly Invitae), Labcorp
Classification: Uncertain significance. Last evaluated: 2025-10-27. Review status: criteria provided, single submitter. Criteria: Invitae Variant Classification Sherloc (09022015). Collection method: clinical testing. Allele origin: germline.
Comment: This sequence change replaces aspartic acid, which is acidic and polar, with glycine, which is neutral and non-polar, at codon 66 of the CAPN5 protein (p.Asp66Gly). This variant is present in population databases (rs139536181, gnomAD 0.04%). This variant has not been reported in the literature in individuals affected with CAPN5-related conditions. ClinVar contains an entry for this variant (Variation ID: 837917). Invitae Evidence Modeling of protein sequence and biophysical properties (such as structural, functional, and spatial information, amino acid conservation, physicochemical variation, residue mobility, and thermodynamic stability) indicates that this missense variant is not expected to disrupt CAPN5 protein function with a negative predictive value of 80%. In summary, the available evidence is currently insufficient to determine the role of this variant in disease. Therefore, it has been classified as a Variant of Uncertain Significance.

Ambry Genetics
Classification: Uncertain significance for Inborn genetic diseases. Last evaluated: 2025-04-07. Review status: criteria provided, single submitter. Criteria: Ambry Variant Classification Scheme 2023. Collection method: clinical testing. Allele origin: germline.

Blueprint Genetics
Classification: Likely benign. Last evaluated: 2024-06-07. Review status: criteria provided, single submitter. Criteria: ACMG Guidelines, 2015. Collection method: clinical testing. Allele origin: germline.

NM_004055.5(CAPN5):c.197A>G (p.Asp66Gly)

Gene: CAPN5 (calpain 5; plus strand). Cytogenetic location: 11q13.5.
Variant type: single nucleotide variant.
Coding change: c.197A>G on transcript NM_004055.5 (MANE Select); coding-DNA position 197, A replaced by G.
Protein change: p.Asp66Gly; replaces aspartic acid 66 with glycine.
Molecular consequence: missense variant.
Genome position (GRCh38, 1-based): chr11:77,093,713, A>G. VCF-style: chr11-77093713-A-G. GRCh37 (hg19) VCF-style: chr11-76804759-A-G.
Other names: short protein forms D66G.
Identifiers: ClinVar variation 837917 (VCV000837917.11), dbSNP rs139536181, ClinGen allele CA6196197.
Genomic context (GRCh38, chr11:77,093,713, plus strand): 5'-CTCACGCTCTCTCCTCGCCTTCTCCGCAGGGCATCTGCGAGGACCCCCGCCTCTTTGTGG[A>G]TGGCATCAGCTCCCACGACCTGCACCAGGGCCAGGTGGGCAACTGCTGGTTTGTGGCAGC-3'
Protein context (NP_004046.2, residues 56-76): GICEDPRLFV[Asp66Gly]GISSHDLHQG